The following is an entry in ClinVar:

NM_139318.5(KCNH5):c.433+5T>C

Gene: KCNH5 (potassium voltage-gated channel subfamily H member 5; minus strand). Cytogenetic location: 14q23.2.
Variant type: single nucleotide variant.
Coding change: c.433+5T>C on transcript NM_139318.5 (MANE Select); 5 bases into the intron after coding-DNA position 433, T replaced by C.
Molecular consequence: intron variant.
Genome position (GRCh38, 1-based): chr14:63,001,326, A>G on the plus strand (T>C on the coding strand, the complement: KCNH5 is on the minus strand). VCF-style: chr14-63001326-A-G. GRCh37 (hg19) VCF-style: chr14-63468044-A-G.
Other names: c.433+5T>C (NM_172375.3).
Identifiers: ClinVar variation 2417635 (VCV002417635.6), dbSNP rs760681521, ClinGen allele CA2141987226.

ClinVar aggregate classification (germline): Uncertain significance (1 of 4 stars; one submission).

Conditions:
Early-infantile DEE. Also called: Early infantile epileptic encephalopathy; Early infantile epileptic encephalopathy with suppression bursts; Ohtahara syndrome. Identifiers: Orphanet 1934, MedGen C0393706, MONDO:0800491.

Allele frequency attached by ClinVar (database versions not stated): gnomAD exomes below 0.00001.
gnomAD v4.1: 5 of 1,594,548 alleles (0.00031%); highest among the groups gnomAD compares: East Asian, 0.0046%; no homozygotes.

Submission:

Labcorp Genetics (formerly Invitae), Labcorp
Classification: Uncertain significance for Early-infantile DEE. Last evaluated: 2022-10-01. Review status: criteria provided, single submitter. Criteria: Invitae Variant Classification Sherloc (09022015). Collection method: clinical testing. Allele origin: germline.
Comment: In summary, the available evidence is currently insufficient to determine the role of this variant in disease. Therefore, it has been classified as a Variant of Uncertain Significance. Variants that disrupt the consensus splice site are a relatively common cause of aberrant splicing (PMID: 17576681, 9536098). Algorithms developed to predict the effect of sequence changes on RNA splicing suggest that this variant is not likely to affect RNA splicing. This variant has not been reported in the literature in individuals affected with KCNH5-related conditions. This variant is not present in population databases (gnomAD no frequency). This sequence change falls in intron 4 of the KCNH5 gene. It does not directly change the encoded amino acid sequence of the KCNH5 protein. It affects a nucleotide within the consensus splice site.

Literature cited by the submitters: PubMed 17576681; PubMed 9536098.